The following is an entry in ClinVar:

NM_000321.3(RB1):c.1960+2T>C

Gene: RB1 (RB transcriptional corepressor 1; plus strand). Cytogenetic location: 13q14.2.
Variant type: single nucleotide variant.
Coding change: c.1960+2T>C on transcript NM_000321.3 (MANE Select); the canonical splice donor site of the intron after coding-DNA position 1960, T replaced by C.
Molecular consequence: splice donor variant.
Genome position (GRCh38, 1-based): chr13:48,456,351, T>C. VCF-style: chr13-48456351-T-C. GRCh37 (hg19) VCF-style: chr13-49030487-T-C.
Other names: IVS19, T-C, +2; c.1960+2T>C (NM_001407165.1).
Identifiers: ClinVar variation 13070 (VCV000013070.2), dbSNP rs587776780, ClinGen allele CA026411.
Genomic context (GRCh38, chr13:48,456,351, plus strand): 5'-AGCCTTCCAGACCCAGAAGCCATTGAAATCTACCTCTCTTTCACTGTTTTATAAAAAAGG[T>C]TAGTAGATGATTATTTTCAAGAGCATGGACTCTGAAACTAGGCTGACTGGGTTCAAATCA-3'

ClinVar aggregate classification (germline): Pathogenic. Review status: criteria provided, single submitter (1 of 4 stars). 2 submissions from 2 submitters: Pathogenic (1). 1 of the submissions does not count toward it. Last evaluated 2024-05-20.

Conditions:
Retinoblastoma (RB1). Also called: RETINOBLASTOMA, SOMATIC. Identifiers: Orphanet 790, MedGen C0035335, MeSH D012175, MONDO:0008380, OMIM 180200, HP:0009919. Disease mechanism: loss of function. Inheritance: Both sporadic and heritable forms are tested..

Submissions (2):

Genetic Diagnostic Laboratory, University of Pennsylvania School of Medicine
Classification: Pathogenic for Retinoblastoma. Last evaluated: 2024-05-20. Review status: criteria provided, single submitter. Criteria: ACMG Guidelines, 2015. Collection method: clinical testing. Allele origin: germline. Affected: yes. Observed: 1 variant allele.
Comment: Case and Pedigree Information: BILATERAL CASES:0, UNILATERAL CASES:1, TOTAL CASES:1, PEDIGREES:1. ACMG Codes Applied:PVS1, PM2

OMIM
Classification: Pathogenic for RETINOBLASTOMA, SOMATIC. Last evaluated: 1989-12-21. Review status: no assertion criteria provided. Collection method: literature only. Allele origin: somatic. Not counted in ClinVar's aggregate classification.

Literature cited by the submitters: PubMed 2594029 (cited by OMIM).